The following is an entry in ClinVar:

ClinVar aggregate classification (germline): Uncertain significance. Review status: criteria provided, multiple submitters, no conflicts (2 of 4 stars). 3 submissions from 3 submitters: Uncertain significance (3). Last evaluated 2025-07-14.

Conditions:
Hereditary cancer-predisposing syndrome. Also called: Tumor predisposition; Neoplastic Syndromes, Hereditary; Hereditary neoplastic syndrome; Hereditary Cancer Syndrome. Identifiers: Orphanet 140162, MedGen C0027672, MeSH D009386, MONDO:0015356.
Familial cancer of breast. Also called: hereditary breast carcinoma; BREAST CANCER, FAMILIAL; Hereditary breast cancer. Identifiers: Orphanet 227535, MedGen C0346153, MONDO:0016419, OMIM 114480. Disease mechanism: loss of function.

Submissions (3):

Ambry Genetics
Classification: Uncertain significance for Hereditary cancer-predisposing syndrome. Last evaluated: 2025-07-14. Review status: criteria provided, single submitter. Criteria: Ambry Variant Classification Scheme 2023. Collection method: clinical testing. Allele origin: germline.
Comment: The p.L417P variant (also known as c.1250T>C), located in coding exon 10 of the CHEK2 gene, results from a T to C substitution at nucleotide position 1250. The leucine at codon 417 is replaced by proline, an amino acid with similar properties. This amino acid position is highly conserved in available vertebrate species. In addition, this alteration is predicted to be deleterious by in silico analysis. Since supporting evidence is limited at this time, the clinical significance of this alteration remains unclear.

Labcorp Genetics (formerly Invitae), Labcorp
Classification: Uncertain significance for Familial cancer of breast. Last evaluated: 2023-03-04. Review status: criteria provided, single submitter. Criteria: Invitae Variant Classification Sherloc (09022015). Collection method: clinical testing. Allele origin: germline.
Comment: This variant is not present in population databases (gnomAD no frequency). This sequence change replaces leucine, which is neutral and non-polar, with proline, which is neutral and non-polar, at codon 417 of the CHEK2 protein (p.Leu417Pro). This variant has not been reported in the literature in individuals affected with CHEK2-related conditions. In summary, the available evidence is currently insufficient to determine the role of this variant in disease. Therefore, it has been classified as a Variant of Uncertain Significance. An algorithm developed to predict the effect of missense changes on protein structure and function (PolyPhen-2) suggests that this variant is likely to be disruptive. ClinVar contains an entry for this variant (Variation ID: 631349).

Color Diagnostics, LLC DBA Color Health
Classification: Uncertain significance for Hereditary cancer-predisposing syndrome. Last evaluated: 2018-08-17. Review status: criteria provided, single submitter. Criteria: ACMG Guidelines, 2015. Collection method: clinical testing. Allele origin: germline.

NM_007194.4(CHEK2):c.1250T>C (p.Leu417Pro)

Gene: CHEK2 (checkpoint kinase 2; minus strand). Cytogenetic location: 22q12.1.
Variant type: single nucleotide variant.
Coding change: c.1250T>C on transcript NM_007194.4 (MANE Select); coding-DNA position 1250, T replaced by C.
Protein change: p.Leu417Pro; replaces leucine 417 with proline.
Molecular consequence: missense variant.
Genome position (GRCh38, 1-based): chr22:28,695,719, A>G on the plus strand (T>C on the coding strand, the complement: CHEK2 is on the minus strand). VCF-style: chr22-28695719-A-G. GRCh37 (hg19) VCF-style: chr22-29091707-A-G.
Other names: c.1379T>C, p.Leu460Pro (NM_001005735.3); c.587T>C, p.Leu196Pro (NM_001257387.3); c.1049T>C, p.Leu350Pro (NM_001349956.3); c.1163T>C, p.Leu388Pro (NM_145862.3); short protein forms L417P, L350P, L460P, L388P, L196P.
Identifiers: ClinVar variation 631349 (VCV000631349.8), dbSNP rs1569113171, ClinGen allele CA411096536.